The following is an entry in ClinVar:

ClinVar aggregate classification (germline): Uncertain significance. Review status: criteria provided, multiple submitters, no conflicts (2 of 4 stars). 2 submissions from 2 submitters: Uncertain significance (2). Last evaluated 2025-03-14.

Conditions:
Hereditary cancer-predisposing syndrome. Also called: Neoplastic Syndromes, Hereditary; Tumor predisposition; Hereditary neoplastic syndrome; Hereditary Cancer Syndrome. Identifiers: Orphanet 140162, MedGen C0027672, MeSH D009386, MONDO:0015356.

Submissions (2):

Labcorp Genetics (formerly Invitae), Labcorp
Classification: Uncertain significance. Last evaluated: 2025-03-14. Review status: criteria provided, single submitter. Criteria: Invitae Variant Classification Sherloc (09022015). Collection method: clinical testing. Allele origin: germline.
Comment: This sequence change replaces histidine, which is basic and polar, with tyrosine, which is neutral and polar, at codon 1410 of the POLE protein (p.His1410Tyr). This variant is not present in population databases (gnomAD no frequency). This variant has not been reported in the literature in individuals affected with POLE-related conditions. ClinVar contains an entry for this variant (Variation ID: 3308416). Invitae Evidence Modeling of protein sequence and biophysical properties (such as structural, functional, and spatial information, amino acid conservation, physicochemical variation, residue mobility, and thermodynamic stability) indicates that this missense variant is not expected to disrupt POLE protein function with a negative predictive value of 80%. In summary, the available evidence is currently insufficient to determine the role of this variant in disease. Therefore, it has been classified as a Variant of Uncertain Significance.

Ambry Genetics
Classification: Uncertain significance for Hereditary cancer-predisposing syndrome. Last evaluated: 2024-05-16. Review status: criteria provided, single submitter. Criteria: Ambry Variant Classification Scheme 2023. Collection method: clinical testing. Allele origin: germline.
Comment: The p.H1410Y variant (also known as c.4228C>T), located in coding exon 33 of the POLE gene, results from a C to T substitution at nucleotide position 4228. The histidine at codon 1410 is replaced by tyrosine, an amino acid with similar properties. This amino acid position is conserved. In addition, the in silico prediction for this alteration is inconclusive. Based on the available evidence, the clinical significance of this variant remains unclear.

NM_006231.4(POLE):c.4228C>T (p.His1410Tyr)

Gene: POLE (DNA polymerase epsilon, catalytic subunit; minus strand). Cytogenetic location: 12q24.33.
Variant type: single nucleotide variant.
Coding change: c.4228C>T on transcript NM_006231.4 (MANE Select); coding-DNA position 4228, C replaced by T.
Protein change: p.His1410Tyr; replaces histidine 1410 with tyrosine.
Molecular consequence: missense variant.
Genome position (GRCh38, 1-based): chr12:132,643,899, G>A on the plus strand (C>T on the coding strand, the complement: POLE is on the minus strand). VCF-style: chr12-132643899-G-A. GRCh37 (hg19) VCF-style: chr12-133220485-G-A.
Other names: short protein forms H1410Y.
Identifiers: ClinVar variation 3308416 (VCV003308416.2).